The following is an entry in ClinVar:

ClinVar aggregate classification (germline): Likely pathogenic (1 of 4 stars; one submission).

Submission:

GeneDx
Classification: Likely pathogenic. Last evaluated: 2025-06-30. Review status: criteria provided, single submitter. Criteria: GeneDx Variant Classification Process June 2021. Collection method: clinical testing. Allele origin: germline.
Comment: Not observed at significant frequency in large population cohorts (gnomAD); Missense variants in this gene are a common cause of disease and they are underrepresented in the general population; In silico analysis supports that this missense variant has a deleterious effect on protein structure/function; Has not been previously published as pathogenic or benign to our knowledge; This variant is associated with the following publications: (PMID: 29493581)

NM_002834.5(PTPN11):c.1393C>T (p.Arg465Trp)

Gene: PTPN11 (protein tyrosine phosphatase non-receptor type 11; plus strand). Cytogenetic location: 12q24.13.
Variant type: single nucleotide variant.
Coding change: c.1393C>T on transcript NM_002834.5 (MANE Select); coding-DNA position 1393, C replaced by T.
Protein change: p.Arg465Trp; replaces arginine 465 with tryptophan.
Molecular consequence: missense variant.
Genome position (GRCh38, 1-based): chr12:112,488,456, C>T. VCF-style: chr12-112488456-C-T. GRCh37 (hg19) VCF-style: chr12-112926260-C-T.
Other names: c.1405C>T, p.Arg469Trp (NM_001330437.2); c.1390C>T, p.Arg464Trp (NM_001374625.1); short protein forms R464W, R465W, R469W.
Identifiers: ClinVar variation 3342591 (VCV003342591.2).